The following is an entry in ClinVar:

NM_000321.3(RB1):c.485T>A (p.Phe162Tyr)

Gene: RB1 (RB transcriptional corepressor 1; plus strand). Cytogenetic location: 13q14.2.
Variant type: single nucleotide variant.
Coding change: c.485T>A on transcript NM_000321.3 (MANE Select); coding-DNA position 485, T replaced by A.
Protein change: p.Phe162Tyr; replaces phenylalanine 162 with tyrosine.
Molecular consequence: missense variant.
Genome position (GRCh38, 1-based): chr13:48,345,184, T>A. VCF-style: chr13-48345184-T-A. GRCh37 (hg19) VCF-style: chr13-48919320-T-A.
Other names: short protein forms F162Y.
Identifiers: ClinVar variation 825236 (VCV000825236.16), dbSNP rs764881599, ClinGen allele CA038278.

ClinVar aggregate classification (germline): Benign/Likely benign. Review status: criteria provided, multiple submitters, no conflicts (2 of 4 stars). 6 submissions from 6 submitters: Benign (1); Likely benign (5). Last evaluated 2026-06-18.

Conditions:
Malignant tumor of urinary bladder. Also called: Urinary Bladder Neoplasms; Bladder cancer; Urinary bladder cancer. Identifiers: MedGen C0005684, MONDO:0001187, OMIM 109800.
Small cell lung carcinoma. Also called: Small cell lung cancer; SMALL CELL CANCER OF THE LUNG, SOMATIC; Lung oat cell carcinoma. Identifiers: Orphanet 70573, MedGen C0149925, MeSH D055752, MONDO:0008433, OMIM 182280, HP:0030357.
Retinoblastoma (RB1). Also called: RETINOBLASTOMA, SOMATIC. Identifiers: Orphanet 790, MedGen C0035335, MeSH D012175, MONDO:0008380, OMIM 180200, HP:0009919. Disease mechanism: loss of function. Inheritance: Both sporadic and heritable forms are tested..
Bone osteosarcoma. Also called: Osteosarcoma, somatic. Identifiers: Orphanet 668, MedGen C0585442, MONDO:0002629, OMIM 259500.
Hereditary cancer-predisposing syndrome. Also called: Tumor predisposition; Hereditary Cancer Syndrome; Hereditary neoplastic syndrome; Neoplastic Syndromes, Hereditary. Identifiers: Orphanet 140162, MedGen C0027672, MeSH D009386, MONDO:0015356.

Allele frequency attached by ClinVar (database versions not stated): gnomAD exomes 0.00003 and 0.00008; ExAC 0.00009; gnomAD 0.00001 and below 0.00001.
gnomAD v4.1: 48 of 1,612,342 alleles (0.003%); highest among the groups gnomAD compares: South Asian, 0.043%; no homozygotes.

Submissions (6):

Myriad Genetics, Inc.
Classification: Likely benign for Retinoblastoma. Last evaluated: 2026-06-18. Review status: criteria provided, single submitter. Criteria: Myriad Autosomal Dominant, Autosomal Recessive and X-Linked Classification Criteria (2023). Collection method: clinical testing. Allele origin: unknown.
Comment: This variant is considered likely benign. This variant has been observed at a population frequency that is significantly greater than expected given the associated disease prevalence and penetrance.

Labcorp Genetics (formerly Invitae), Labcorp
Classification: Benign for Retinoblastoma. Last evaluated: 2025-09-15. Review status: criteria provided, single submitter. Criteria: Invitae Variant Classification Sherloc (09022015). Collection method: clinical testing. Allele origin: germline.

All of Us Research Program, National Institutes of Health
Classification: Likely benign for Retinoblastoma. Last evaluated: 2024-09-23. Review status: criteria provided, single submitter. Criteria: ACMG Guidelines, 2015. Collection method: clinical testing. Allele origin: germline. Inheritance: Autosomal dominant inheritance. Observed: 3 variant alleles, 3 heterozygotes.
Comment: This study involves interpretation of variants in research participants for the purpose of population health screening. Participant phenotype was not available at the time of variant classification. Additional details can be found in publication PMID: 35346344, PMCID: PMC8962531

Color Diagnostics, LLC DBA Color Health
Classification: Likely benign for Retinoblastoma. Last evaluated: 2024-02-14. Review status: criteria provided, single submitter. Criteria: ACMG Guidelines, 2015. Collection method: clinical testing. Allele origin: germline.

Fulgent Genetics
Classification: Likely benign for Malignant tumor of urinary bladder; Retinoblastoma; Small cell lung carcinoma; Bone osteosarcoma. Last evaluated: 2022-05-24. Review status: criteria provided, single submitter. Criteria: ACMG Guidelines, 2015. Collection method: clinical testing. Allele origin: unknown.

Ambry Genetics
Classification: Likely benign for Hereditary cancer-predisposing syndrome. Last evaluated: 2019-01-04. Review status: criteria provided, single submitter. Criteria: Ambry Variant Classification Scheme 2023. Collection method: clinical testing. Allele origin: germline.